The following is an entry in ClinVar:

ClinVar aggregate classification (germline): Likely benign. Review status: criteria provided, multiple submitters, no conflicts (2 of 4 stars). 2 submissions from 2 submitters: Likely benign (2). Last evaluated 2025-10-11.

Conditions:
Muscular dystrophy-dystroglycanopathy type B6 (MDDGB6). Also called: MUSCULAR DYSTROPHY-DYSTROGLYCANOPATHY (CONGENITAL WITH IMPAIRED INTELLECTUAL DEVELOPMENT), TYPE B, 6; MUSCULAR DYSTROPHY, CONGENITAL, LARGE-RELATED; MUSCULAR DYSTROPHY, CONGENITAL, TYPE 1D. Identifiers: MedGen C1837229, MONDO:0012138, OMIM 608840.

Allele frequency attached by ClinVar (database versions not stated): gnomAD exomes 0.00001 and 0.00002; ExAC 0.00002; gnomAD 0.00004; TOPMed 0.00004; ESP Exome Variant Server 0.00008.
gnomAD v4.1: 31 of 1,613,940 alleles (0.0019%); highest among the groups gnomAD compares: Non-Finnish European, 0.0025%; no homozygotes.

Submissions (2):

Labcorp Genetics (formerly Invitae), Labcorp
Classification: Likely benign for Muscular dystrophy-dystroglycanopathy type B6. Last evaluated: 2025-10-11. Review status: criteria provided, single submitter. Criteria: Invitae Variant Classification Sherloc (09022015). Collection method: clinical testing. Allele origin: germline.

GeneDx
Classification: Likely benign. Last evaluated: 2017-12-19. Review status: criteria provided, single submitter. Criteria: GeneDx Variant Classification (06012015). Collection method: clinical testing. Allele origin: germline. Affected: yes.
Comment: This variant is considered likely benign or benign based on one or more of the following criteria: it is a conservative change, it occurs at a poorly conserved position in the protein, it is predicted to be benign by multiple in silico algorithms, and/or has population frequency not consistent with disease.

NM_133642.5(LARGE1):c.703C>T (p.Leu235=)

Gene: LARGE1 (LARGE xylosyl- and glucuronyltransferase 1; minus strand). Cytogenetic location: 22q12.3.
Variant type: single nucleotide variant.
Coding change: c.703C>T on transcript NM_133642.5 (MANE Select); coding-DNA position 703, C replaced by T.
Protein change: p.Leu235=; no amino-acid change (leucine 235 retained).
Molecular consequence: synonymous variant.
Genome position (GRCh38, 1-based): chr22:33,564,932, G>A on the plus strand (C>T on the coding strand, the complement: LARGE1 is on the minus strand). VCF-style: chr22-33564932-G-A. GRCh37 (hg19) VCF-style: chr22-33960918-G-A.
Other names: c.703C>T, p.Leu235= (NM_001362949.2, NM_001362951.2, NM_001362953.2 and 7 more transcripts); c.100C>T, p.Leu34= (NM_001378630.1, NM_001378631.1).
Identifiers: ClinVar variation 464478 (VCV000464478.9), dbSNP rs376057149, ClinGen allele CA10202956.